The following is an entry in ClinVar:

ClinVar aggregate classification (germline): Uncertain significance (1 of 4 stars; one submission).

Allele frequency attached by ClinVar (database versions not stated): TOPMed below 0.00001.
gnomAD v4.1: 5 of 1,575,584 alleles (0.00032%); highest among the groups gnomAD compares: Non-Finnish European, 0.00043%; no homozygotes.

Submission:

Labcorp Genetics (formerly Invitae), Labcorp
Classification: Uncertain significance. Last evaluated: 2022-03-11. Review status: criteria provided, single submitter. Criteria: Invitae Variant Classification Sherloc (09022015). Collection method: clinical testing. Allele origin: germline.
Comment: In summary, the available evidence is currently insufficient to determine the role of this variant in disease. Therefore, it has been classified as a Variant of Uncertain Significance. Algorithms developed to predict the effect of missense changes on protein structure and function (SIFT, PolyPhen-2, Align-GVGD) all suggest that this variant is likely to be tolerated. This variant has not been reported in the literature in individuals affected with RELB-related conditions. This variant is present in population databases (no rsID available, gnomAD 0.001%). This sequence change replaces proline, which is neutral and non-polar, with alanine, which is neutral and non-polar, at codon 75 of the RELB protein (p.Pro75Ala).

NM_006509.4(RELB):c.223C>G (p.Pro75Ala)

Gene: RELB (RELB proto-oncogene, NF-kB subunit; plus strand). Cytogenetic location: 19q13.32.
Variant type: single nucleotide variant.
Coding change: c.223C>G on transcript NM_006509.4 (MANE Select); coding-DNA position 223, C replaced by G.
Protein change: p.Pro75Ala; replaces proline 75 with alanine.
Molecular consequence: missense variant.
Genome position (GRCh38, 1-based): chr19:45,011,995, C>G. VCF-style: chr19-45011995-C-G. GRCh37 (hg19) VCF-style: chr19-45515253-C-G.
Other names: c.214C>G, p.Pro72Ala (NM_001411087.1); short protein forms P72A, P75A.
Identifiers: ClinVar variation 2109107 (VCV002109107.4), dbSNP rs1249839475, ClinGen allele CA406321922.